The following is an entry in ClinVar:

ClinVar aggregate classification (germline): Uncertain significance (1 of 4 stars; one submission).

Submission:

GeneDx
Classification: Uncertain significance. Last evaluated: 2024-03-06. Review status: criteria provided, single submitter. Criteria: GeneDx Variant Classification Process June 2021. Collection method: clinical testing. Allele origin: germline. Affected: yes.
Comment: Has not been previously published as pathogenic or benign to our knowledge; Not observed at significant frequency in large population cohorts (gnomAD); In silico analysis supports that this missense variant does not alter protein structure/function

NM_005202.4(COL8A2):c.55G>A (p.Val19Met)

Genes: COL8A2 (collagen type VIII alpha 2 chain; minus strand), LOC129930125 (ATAC-STARR-seq lymphoblastoid silent region 654; plus strand). Cytogenetic location: 1p34.3.
Variant type: single nucleotide variant.
Coding change: c.55G>A on transcript NM_005202.4 (MANE Select); coding-DNA position 55, G replaced by A.
Protein change: p.Val19Met; replaces valine 19 with methionine.
Molecular consequence: missense variant. On other transcripts: intron variant (1).
Genome position (GRCh38, 1-based): chr1:36,100,188, C>T on the plus strand (G>A on the coding strand, the complement: COL8A2 is on the minus strand). VCF-style: chr1-36100188-C-T. GRCh37 (hg19) VCF-style: chr1-36565789-C-T.
Other names: c.-3+7G>A (NM_001294347.2); short protein forms V19M.
Identifiers: ClinVar variation 3373523 (VCV003373523.1).